The following is an entry in ClinVar:

ClinVar aggregate classification (germline): Benign/Likely benign. Review status: criteria provided, multiple submitters, no conflicts (2 of 4 stars). 14 submissions from 13 submitters: Benign (11); Likely benign (1). 2 of the submissions do not count toward it. Last evaluated 2026-02-03.

Conditions:
Autosomal dominant nonsyndromic hearing loss 20. Identifiers: Orphanet 90635, MedGen C1858172, MONDO:0011480, OMIM 604717.
Baraitser-winter syndrome 2. Identifiers: Orphanet 2995, MedGen C3281235, MONDO:0013812, OMIM 614583.

Allele frequency attached by ClinVar (database versions not stated): ESP Exome Variant Server 0.01384; gnomAD 0.01563; ExAC 0.01681; TOPMed 0.01718; 1000 Genomes Project 30x 0.02186; 1000 Genomes Project 0.02256.
gnomAD v4.1: 23,701 of 1,613,722 alleles (1.5%); highest among the groups gnomAD compares: East Asian, 3.9%; 272 homozygotes.

Submissions (14):

Labcorp Genetics (formerly Invitae), Labcorp
Classification: Benign for Baraitser-winter syndrome 2; Autosomal dominant nonsyndromic hearing loss 20. Last evaluated: 2026-02-03. Review status: criteria provided, single submitter. Criteria: Invitae Variant Classification Sherloc (09022015). Collection method: clinical testing. Allele origin: germline.

Blueprint Genetics
Classification: Likely benign. Last evaluated: 2024-11-27. Review status: criteria provided, single submitter. Criteria: ACMG Guidelines, 2015. Collection method: clinical testing. Allele origin: germline.

ARUP Laboratories, Molecular Genetics and Genomics, ARUP Laboratories
Classification: Benign. Last evaluated: 2023-09-27. Review status: criteria provided, single submitter. Criteria: ARUP Molecular Germline Variant Investigation Process 2024. Collection method: clinical testing. Allele origin: germline.

Mayo Clinic Laboratories, Mayo Clinic
Classification: Benign. Last evaluated: 2023-03-27. Review status: criteria provided, single submitter. Criteria: ACMG Guidelines, 2015. Collection method: clinical testing. Allele origin: germline. Observed: 10 variant alleles.
Comment: BA1, BP4, BP7

Genome-Nilou Lab
Classification: Benign for Baraitser-winter syndrome 2. Last evaluated: 2021-12-05. Review status: criteria provided, single submitter. Criteria: ACMG Guidelines, 2015. Collection method: clinical testing. Allele origin: germline. Affected: no.

Genome-Nilou Lab
Classification: Benign for Autosomal dominant nonsyndromic hearing loss 20. Last evaluated: 2021-12-05. Review status: criteria provided, single submitter. Criteria: ACMG Guidelines, 2015. Collection method: clinical testing. Allele origin: germline. Affected: no.

Athena Diagnostics
Classification: Benign. Last evaluated: 2018-09-12. Review status: criteria provided, single submitter. Criteria: Athena Diagnostics Criteria. Collection method: clinical testing. Allele origin: germline.

GeneDx
Classification: Benign. Last evaluated: 2015-11-13. Review status: criteria provided, single submitter. Criteria: GeneDx Variant Classification (06012015). Collection method: clinical testing. Allele origin: germline. Affected: yes.
Comment: This variant is considered likely benign or benign based on one or more of the following criteria: it is a conservative change, it occurs at a poorly conserved position in the protein, it is predicted to be benign by multiple in silico algorithms, and/or has population frequency not consistent with disease.

Eurofins Ntd Llc (ga)
Classification: Benign. Last evaluated: 2015-01-27. Review status: criteria provided, single submitter. Criteria: EGL Classification Definitions 2015. Collection method: clinical testing. Allele origin: germline. Observed: 1 variant allele, 1 heterozygote.

Genetic Services Laboratory, University of Chicago
Classification: Benign for AllHighlyPenetrant. Last evaluated: 2013-02-20. Review status: criteria provided, single submitter. Criteria: ACMG Guidelines, 2007. Collection method: clinical testing. Allele origin: germline. Inheritance: Autosomal recessive inheritance.

Laboratory for Molecular Medicine, Mass General Brigham Personalized Medicine
Classification: Benign. Last evaluated: 2012-05-07. Review status: criteria provided, single submitter. Criteria: LMM Criteria. Collection method: clinical testing. Allele origin: germline. Observed: 59 variant alleles.
Comment: "Pro243Pro in Exon 04 of ACTG1: This variant is not expected to have clinical si gnificance because it does not alter an amino acid residue, is not located withi n the splice consensus sequence, and has been identified in 1.7% (62/3736) of Af rican American chromosomes from a broad population by the NHLBI Exome Sequencing Project (dbSNP rs2230159)."

Breakthrough Genomics
Classification: Benign. Review status: criteria provided, single submitter. Criteria: ACMG Guidelines, 2015. Collection method: not provided. Allele origin: germline. Inheritance: Autosomal dominant inheritance. Affected: yes.

Clinical Genetics DNA and cytogenetics Diagnostics Lab, Erasmus MC, Erasmus Medical Center
Classification: Likely benign. Review status: no assertion criteria provided. Collection method: clinical testing. Allele origin: germline. Affected: yes. Study: VKGL Data-share Consensus. Not counted in ClinVar's aggregate classification.

Joint Genome Diagnostic Labs from Nijmegen and Maastricht, Radboudumc and MUMC+
Classification: Benign. Review status: no assertion criteria provided. Collection method: clinical testing. Allele origin: germline. Affected: yes. Study: VKGL Data-share Consensus. Not counted in ClinVar's aggregate classification.

NM_001614.5(ACTG1):c.729C>T (p.Pro243=)

Gene: ACTG1 (actin gamma 1; minus strand). Cytogenetic location: 17q25.3.
Variant type: single nucleotide variant.
Coding change: c.729C>T on transcript NM_001614.5 (MANE Select); coding-DNA position 729, C replaced by T.
Protein change: p.Pro243=; no amino-acid change (proline 243 retained).
Molecular consequence: synonymous variant. On other transcripts: non-coding transcript variant (1).
Genome position (GRCh38, 1-based): chr17:81,511,261, G>A on the plus strand (C>T on the coding strand, the complement: ACTG1 is on the minus strand). VCF-style: chr17-81511261-G-A. GRCh37 (hg19) VCF-style: chr17-79478287-G-A.
Other names: p.Pro243=; c.729C>T, p.Pro243= (NM_001199954.3).
Identifiers: ClinVar variation 128272 (VCV000128272.32), dbSNP rs2230159, ClinGen allele CA151592.
Genomic context (GRCh38, chr17:81,511,261, plus strand): 5'-CTGGAACAGCGCCTCCGGACACCGGAACCGCTCATTGCCAATGGTGATGACCTGGCCATC[G>A]GGCAGCTCGTAGCTCTTCTCCAGAGAAGAGGAGGATGCGGCGGTGGCCATCTCCTGCTCG-3'
Protein context (NP_001605.1, residues 233-253): SSSLEKSYEL[Pro243=]DGQVITIGNE